The following is an entry in ClinVar:

NM_000528.4(MAN2B1):c.436G>A (p.Gly146Arg)

Gene: MAN2B1 (mannosidase alpha class 2B member 1; minus strand). Cytogenetic location: 19p13.13.
Variant type: single nucleotide variant.
Coding change: c.436G>A on transcript NM_000528.4 (MANE Select); coding-DNA position 436, G replaced by A.
Protein change: p.Gly146Arg; replaces glycine 146 with arginine.
Molecular consequence: missense variant.
Genome position (GRCh38, 1-based): chr19:12,665,352, C>T on the plus strand (G>A on the coding strand, the complement: MAN2B1 is on the minus strand). VCF-style: chr19-12665352-C-T. GRCh37 (hg19) VCF-style: chr19-12776166-C-T.
Other names: c.436G>A, p.Gly146Arg (NM_001173498.2); short protein forms G146R.
Identifiers: ClinVar variation 1356629 (VCV001356629.3), dbSNP rs767951916, ClinGen allele CA305478856.
Genomic context (GRCh38, chr19:12,665,352, plus strand): 5'-AGATGCAGAAGCAGAAGCTGGGCTGGGCTTCCTCTTTTCACTTCCTTGGGGTAGGCTCAC[C>T]CTGGCGCACAAGGTCTCGCACGACTTCCTGTGTGGCATTTGTCTGCTGGTGCCACCAACG-3'
Protein context (NP_000519.2, residues 136-156): QEVVRDLVRQ[Gly146Arg]RLEFANGGWV

ClinVar aggregate classification (germline): Uncertain significance (1 of 4 stars; one submission).

Conditions:
Deficiency of alpha-mannosidase (MANSA). Also called: LYSOSOMAL ALPHA-D-MANNOSIDASE DEFICIENCY; Mannosidosis, alpha-, types I and II; Alpha-Mannosidosis. Identifiers: Orphanet 61, MedGen C0024748, MONDO:0009561, OMIM 248500.

Allele frequency attached by ClinVar (database versions not stated): gnomAD 0.00001; gnomAD exomes 0.00001; TOPMed 0.00002.

Submission:

Labcorp Genetics (formerly Invitae), Labcorp
Classification: Uncertain significance for Deficiency of alpha-mannosidase. Last evaluated: 2021-08-26. Review status: criteria provided, single submitter. Criteria: Invitae Variant Classification Sherloc (09022015). Collection method: clinical testing. Allele origin: germline.
Comment: This sequence change replaces glycine with arginine at codon 146 of the MAN2B1 protein (p.Gly146Arg). The glycine residue is highly conserved and there is a moderate physicochemical difference between glycine and arginine. This variant also falls at the last nucleotide of exon 3, which is part of the consensus splice site for this exon. This variant is not present in population databases (ExAC no frequency). This variant has not been reported in the literature in individuals affected with MAN2B1-related conditions. Algorithms developed to predict the effect of missense changes on protein structure and function (SIFT, PolyPhen-2, Align-GVGD) all suggest that this variant is likely to be disruptive. Variants that disrupt the consensus splice site are a relatively common cause of aberrant splicing (PMID: 17576681, 9536098). Algorithms developed to predict the effect of sequence changes on RNA splicing suggest that this variant may disrupt the consensus splice site. In summary, the available evidence is currently insufficient to determine the role of this variant in disease. Therefore, it has been classified as a Variant of Uncertain Significance.

Literature cited by the submitters: PubMed 17576681; PubMed 9536098.